The following is an entry in ClinVar:

NM_001940.4(ATN1):c.3295C>T (p.Leu1099Phe)

Gene: ATN1 (atrophin 1; plus strand). Cytogenetic location: 12p13.31.
Variant type: single nucleotide variant.
Coding change: c.3295C>T on transcript NM_001940.4 (MANE Select); coding-DNA position 3295, C replaced by T.
Protein change: p.Leu1099Phe; replaces leucine 1099 with phenylalanine.
Molecular consequence: missense variant.
Genome position (GRCh38, 1-based): chr12:6,940,960, C>T. VCF-style: chr12-6940960-C-T. GRCh37 (hg19) VCF-style: chr12-7050123-C-T.
Other names: c.3295C>T, p.Leu1099Phe (NM_001007026.2, NM_001424176.1, NM_001424177.1 and 1 more transcripts); c.3292C>T, p.Leu1098Phe (NM_001424179.1, NM_001424180.1); c.3274C>T, p.Leu1092Phe (NM_001424181.1); c.3271C>T, p.Leu1091Phe (NM_001424182.1); short protein forms L1091F, L1092F, L1098F, L1099F.
Identifiers: ClinVar variation 2642659 (VCV002642659.24), dbSNP rs2542644722, ClinGen allele CA383741848.

ClinVar aggregate classification (germline): Uncertain significance (1 of 4 stars; one submission).

Submission:

CeGaT Center for Human Genetics Tuebingen
Classification: Uncertain significance. Last evaluated: 2022-03-01. Review status: criteria provided, single submitter. Criteria: CeGaT Center For Human Genetics Tuebingen Variant Classification Criteria Version 2. Collection method: clinical testing. Allele origin: germline. Affected: yes. Observed: 1 variant allele.
Comment: ATN1: PM2